The following is an entry in ClinVar:

NM_002224.4(ITPR3):c.7033-7C>T

Gene: ITPR3 (inositol 1,4,5-trisphosphate receptor type 3; plus strand). Cytogenetic location: 6p21.31.
Variant type: single nucleotide variant.
Coding change: c.7033-7C>T on transcript NM_002224.4 (MANE Select); 7 bases into the intron before coding-DNA position 7033, C replaced by T.
Molecular consequence: intron variant.
Genome position (GRCh38, 1-based): chr6:33,690,910, C>T. VCF-style: chr6-33690910-C-T. GRCh37 (hg19) VCF-style: chr6-33658687-C-T.
Identifiers: ClinVar variation 3388322 (VCV003388322.14).
Genomic context (GRCh38, chr6:33,690,910, plus strand): 5'-CAGCCCCAGTGAGAGTGGCCGGCCCAGCCCCTCAAGGTGCCATCCCTATCTCAACCCCAT[C>T]CTGCAGCTCTTTGACCTCATCTACCGCGAGGAGACGCTGTTCAACGTCATCAAGAGTGTG-3'

ClinVar aggregate classification (germline): Likely benign (1 of 4 stars; one submission).

gnomAD v4.1: 149 of 1,613,102 alleles (0.0092%); highest among the groups gnomAD compares: South Asian, 0.098%; 1 homozygote.

Submission:

CeGaT Center for Human Genetics Tuebingen
Classification: Likely benign. Last evaluated: 2024-11-01. Review status: criteria provided, single submitter. Criteria: CeGaT Center For Human Genetics Tuebingen Variant Classification Criteria Version 2. Collection method: clinical testing. Allele origin: germline. Affected: yes. Observed: 1 variant allele.
Comment: ITPR3: BP4, BS2